The following is an entry in ClinVar:

ClinVar aggregate classification (germline): Uncertain significance. Review status: criteria provided, multiple submitters, no conflicts (2 of 4 stars). 3 submissions from 3 submitters: Uncertain significance (3). Last evaluated 2025-08-22.

Conditions:
CEP290-related disorder. Also called: CEP290-related condition; CEP290-related disorders. Identifiers: MedGen CN239314.
Meckel-Gruber syndrome. Also called: DYSENCEPHALIA SPLANCHNOCYSTICA; GRUBER SYNDROME; Dysencephalia splachnocystica. Identifiers: Orphanet 564, MedGen C0265215, MONDO:0018921.
Nephronophthisis. Also called: Juvenile Nephronophthisis. Identifiers: Orphanet 655, MedGen C0687120, MONDO:0019005, HP:0000090.
Joubert syndrome. Also called: Familial aplasia of the vermis; JOUBERT-BOLTSHAUSER SYNDROME. Identifiers: Orphanet 475, MedGen C5979921, MONDO:0018772.

Allele frequency attached by ClinVar (database versions not stated): TOPMed below 0.00001.

Submissions (3):

PreventionGenetics, part of Exact Sciences
Classification: Uncertain significance for CEP290-related condition. Last evaluated: 2025-08-22. Review status: criteria provided, single submitter. Criteria: ACMG Guidelines, 2015. Collection method: clinical testing. Allele origin: germline.
Comment: The CEP290 c.3499G>C variant is predicted to result in the amino acid substitution p.Glu1167Gln. To our knowledge, this variant has not been reported in the literature or in a large population database (gnomAD), indicating this variant is rare. At this time, the clinical significance of this variant is uncertain due to the absence of conclusive functional and genetic evidence.

Labcorp Genetics (formerly Invitae), Labcorp
Classification: Uncertain significance for Joubert syndrome; Meckel-Gruber syndrome; Nephronophthisis. Last evaluated: 2024-01-08. Review status: criteria provided, single submitter. Criteria: Invitae Variant Classification Sherloc (09022015). Collection method: clinical testing. Allele origin: germline.
Comment: This sequence change replaces glutamic acid, which is acidic and polar, with glutamine, which is neutral and polar, at codon 1167 of the CEP290 protein (p.Glu1167Gln). This variant is not present in population databases (gnomAD no frequency). This variant has not been reported in the literature in individuals affected with CEP290-related conditions. ClinVar contains an entry for this variant (Variation ID: 1956910). Advanced modeling of protein sequence and biophysical properties (such as structural, functional, and spatial information, amino acid conservation, physicochemical variation, residue mobility, and thermodynamic stability) performed at Invitae indicates that this missense variant is not expected to disrupt CEP290 protein function with a negative predictive value of 80%. In summary, the available evidence is currently insufficient to determine the role of this variant in disease. Therefore, it has been classified as a Variant of Uncertain Significance.

GeneDx
Classification: Uncertain significance. Last evaluated: 2023-11-26. Review status: criteria provided, single submitter. Criteria: GeneDx Variant Classification Process June 2021. Collection method: clinical testing. Allele origin: germline. Affected: yes.
Comment: Not observed at significant frequency in large population cohorts (gnomAD); In silico analysis supports that this missense variant does not alter protein structure/function; Has not been previously published as pathogenic or benign to our knowledge

NM_025114.4(CEP290):c.3499G>C (p.Glu1167Gln)

Gene: CEP290 (centrosomal protein 290; minus strand). Cytogenetic location: 12q21.32.
Variant type: single nucleotide variant.
Coding change: c.3499G>C on transcript NM_025114.4 (MANE Select); coding-DNA position 3499, G replaced by C.
Protein change: p.Glu1167Gln; replaces glutamic acid 1167 with glutamine.
Molecular consequence: missense variant.
Genome position (GRCh38, 1-based): chr12:88,090,802, C>G on the plus strand (G>C on the coding strand, the complement: CEP290 is on the minus strand). VCF-style: chr12-88090802-C-G. GRCh37 (hg19) VCF-style: chr12-88484579-C-G.
Other names: c.3499G>C (NM_025114.3); short protein forms E1167Q.
Identifiers: ClinVar variation 1956910 (VCV001956910.7), dbSNP rs764868103, ClinGen allele CA241166062.